The following is an entry in ClinVar:

NM_000038.6(APC):c.474T>G (p.Tyr158Ter)

Gene: APC (APC regulator of Wnt signaling pathway; plus strand). Cytogenetic location: 5q22.2.
Variant type: single nucleotide variant.
Coding change: c.474T>G on transcript NM_000038.6 (MANE Select); coding-DNA position 474, T replaced by G.
Protein change: p.Tyr158Ter; replaces tyrosine 158 with a stop codon.
Molecular consequence: nonsense. On other transcripts: 5 prime UTR variant (1).
Genome position (GRCh38, 1-based): chr5:112,775,680, T>G. VCF-style: chr5-112775680-T-G. GRCh37 (hg19) VCF-style: chr5-112111377-T-G.
Other names: c.474T>G, p.Tyr158Ter (NM_001127510.3, NM_001354895.2, NM_001354896.2 and 16 more transcripts); c.504T>G, p.Tyr168Ter (NM_001127511.3, NM_001354897.2, NM_001354902.2 and 1 more transcripts); c.399T>G, p.Tyr133Ter (NM_001354898.2, NM_001354904.2, NM_001407451.1); c.297T>G, p.Tyr99Ter (NM_001354900.2, NM_001354901.2, NM_001354905.2 and 1 more transcripts); c.-562T>G (NM_001354906.2, NM_001407470.1, NM_001407471.1 and 1 more transcripts); short protein forms Y168*, Y99*, Y133*, Y158*.
Identifiers: ClinVar variation 1742842 (VCV001742842.3), dbSNP rs1060504891, ClinGen allele CA16022360.

ClinVar aggregate classification (germline): Pathogenic (1 of 4 stars; one submission).

Conditions:
Hereditary cancer-predisposing syndrome. Also called: Hereditary Cancer Syndrome; Hereditary neoplastic syndrome; Neoplastic Syndromes, Hereditary; Tumor predisposition. Identifiers: Orphanet 140162, MedGen C0027672, MeSH D009386, MONDO:0015356.

Submission:

Ambry Genetics
Classification: Pathogenic for Hereditary cancer-predisposing syndrome. Last evaluated: 2025-05-14. Review status: criteria provided, single submitter. Criteria: Ambry Variant Classification Scheme 2023. Collection method: clinical testing. Allele origin: germline.
Comment: The p.Y158* pathogenic mutation (also known as c.474T>G), located in coding exon 4 of the APC gene, results from a T to G substitution at nucleotide position 474. This changes the amino acid from a tyrosine to a stop codon within coding exon 4. This variant is considered to be rare based on population cohorts in the Genome Aggregation Database (gnomAD). In addition to the clinical data presented in the literature, this alteration is expected to result in loss of function by premature protein truncation or nonsense-mediated mRNA decay. As such, this alteration is interpreted as a disease-causing mutation.

Literature cited by the submitters: PubMed 20685668.